The following is an entry in ClinVar:

ClinVar aggregate classification (germline): Likely benign. Review status: criteria provided, single submitter (1 of 4 stars). 2 submissions from 2 submitters: Likely benign (1). 1 of the submissions does not count toward it. Last evaluated 2025-09-15.

Conditions:
UNC80-related disorder. Also called: UNC80-related condition.

Allele frequency attached by ClinVar (database versions not stated): ESP Exome Variant Server 0.00008; gnomAD 0.00008 and 0.00009; TOPMed 0.00011; gnomAD exomes 0.00012; ExAC 0.00014.
gnomAD v4.1: 90 of 1,613,948 alleles (0.0056%); highest among the groups gnomAD compares: Admixed American, 0.068%; no homozygotes.

Submissions (2):

Labcorp Genetics (formerly Invitae), Labcorp
Classification: Likely benign. Last evaluated: 2025-09-15. Review status: criteria provided, single submitter. Criteria: Invitae Variant Classification Sherloc (09022015). Collection method: clinical testing. Allele origin: germline.

PreventionGenetics, part of Exact Sciences
Classification: Likely benign for UNC80-related condition. Last evaluated: 2019-08-08. Review status: no assertion criteria provided. Collection method: clinical testing. Allele origin: germline. Not counted in ClinVar's aggregate classification.
Comment: This variant is classified as likely benign based on ACMG/AMP sequence variant interpretation guidelines (Richards et al. 2015 PMID: 25741868, with internal and published modifications).

NM_001371986.1(UNC80):c.903C>G (p.Ser301=)

Gene: UNC80 (unc-80 subunit of NALCN channel complex; plus strand). Cytogenetic location: 2q34.
Variant type: single nucleotide variant.
Coding change: c.903C>G on transcript NM_001371986.1 (MANE Select); coding-DNA position 903, C replaced by G.
Protein change: p.Ser301=; no amino-acid change (serine 301 retained).
Molecular consequence: synonymous variant.
Genome position (GRCh38, 1-based): chr2:209,793,824, C>G. VCF-style: chr2-209793824-C-G. GRCh37 (hg19) VCF-style: chr2-210658548-C-G.
Other names: c.903C>G (NM_032504.1); c.903C>G, p.Ser301= (NM_032504.2, NM_182587.4).
Identifiers: ClinVar variation 1636509 (VCV001636509.10), dbSNP rs140307609, ClinGen allele CA2082872.